The following is an entry in ClinVar:

NM_006206.6(PDGFRA):c.139C>T (p.Leu47=)

Gene: PDGFRA (platelet derived growth factor receptor alpha; plus strand). Cytogenetic location: 4q12.
Variant type: single nucleotide variant.
Coding change: c.139C>T on transcript NM_006206.6 (MANE Select); coding-DNA position 139, C replaced by T.
Protein change: p.Leu47=; no amino-acid change (leucine 47 retained).
Molecular consequence: synonymous variant.
Genome position (GRCh38, 1-based): chr4:54,261,184, C>T. VCF-style: chr4-54261184-C-T. GRCh37 (hg19) VCF-style: chr4-55127351-C-T.
Other names: c.139C>T, p.Leu47= (NM_001347827.2, NM_001347829.2); c.214C>T, p.Leu72= (NM_001347828.2); c.178C>T, p.Leu60= (NM_001347830.2).
Identifiers: ClinVar variation 1771734 (VCV001771734.5), dbSNP rs1265352306, ClinGen allele CA439408499.

ClinVar aggregate classification (germline): Conflicting classifications of pathogenicity. Review status: criteria provided, conflicting classifications (1 of 4 stars). 2 submissions from 2 submitters: Uncertain significance (1); Likely benign (1). Last evaluated 2022-11-18.

Conditions:
Hereditary cancer-predisposing syndrome. Also called: Neoplastic Syndromes, Hereditary; Tumor predisposition; Hereditary Cancer Syndrome; Hereditary neoplastic syndrome. Identifiers: Orphanet 140162, MedGen C0027672, MeSH D009386, MONDO:0015356.
Gastrointestinal stromal tumor. Also called: Gastrointestinal stromal tumor, somatic; Gastrointestinal stroma tumor. Identifiers: Orphanet 44890, MedGen C0238198, MeSH D046152, MONDO:0011719, OMIM 606764, HP:0100723.

Allele frequency attached by ClinVar (database versions not stated): gnomAD exomes below 0.00001.

Submissions (2):

Labcorp Genetics (formerly Invitae), Labcorp
Classification: Uncertain significance for Gastrointestinal stromal tumor. Last evaluated: 2022-11-18. Review status: criteria provided, single submitter. Criteria: Invitae Variant Classification Sherloc (09022015). Collection method: clinical testing. Allele origin: germline.
Comment: This variant has not been reported in the literature in individuals affected with PDGFRA-related conditions. This variant is present in population databases (no rsID available, gnomAD 0.003%). This sequence change affects codon 47 of the PDGFRA mRNA. It is a 'silent' change, meaning that it does not change the encoded amino acid sequence of the PDGFRA protein. Algorithms developed to predict the effect of sequence changes on RNA splicing suggest that this variant may create or strengthen a splice site. In summary, the available evidence is currently insufficient to determine the role of this variant in disease. Therefore, it has been classified as a Variant of Uncertain Significance.

Ambry Genetics
Classification: Likely benign for Hereditary cancer-predisposing syndrome. Last evaluated: 2020-12-29. Review status: criteria provided, single submitter. Criteria: Ambry Variant Classification Scheme 2023. Collection method: clinical testing. Allele origin: germline.